The following is an entry in ClinVar:

ClinVar aggregate classification (germline): Likely pathogenic (1 of 4 stars; one submission).

Submission:

GeneDx
Classification: Likely pathogenic. Last evaluated: 2025-12-17. Review status: criteria provided, single submitter. Criteria: GeneDx Variant Classification Process June 2021. Collection method: clinical testing. Allele origin: germline. Affected: yes.
Comment: In silico analysis supports that this missense variant has a deleterious effect on protein structure/function; Not observed at significant frequency in large population cohorts (gnomAD); This variant is associated with the following publications: (PMID: 31019026, 39749519)

NM_133433.4(NIPBL):c.7198C>T (p.Arg2400Cys)

Gene: NIPBL (NIPBL cohesin loading factor; plus strand). Cytogenetic location: 5p13.2.
Variant type: single nucleotide variant.
Coding change: c.7198C>T on transcript NM_133433.4 (MANE Select); coding-DNA position 7198, C replaced by T.
Protein change: p.Arg2400Cys; replaces arginine 2400 with cysteine.
Molecular consequence: missense variant.
Genome position (GRCh38, 1-based): chr5:37,052,501, C>T. VCF-style: chr5-37052501-C-T. GRCh37 (hg19) VCF-style: chr5-37052603-C-T.
Other names: c.7198C>T, p.Arg2400Cys (NM_015384.5); short protein forms R2400C.
Identifiers: ClinVar variation 2581739 (VCV002581739.2), dbSNP rs2478658757, ClinGen allele CA359511753.